The following is an entry in ClinVar:

NM_000135.4(FANCA):c.530T>C (p.Leu177Ser)

Gene: FANCA (FA complementation group A; minus strand). Cytogenetic location: 16q24.3.
Variant type: single nucleotide variant.
Coding change: c.530T>C on transcript NM_000135.4 (MANE Select); coding-DNA position 530, T replaced by C.
Protein change: p.Leu177Ser; replaces leucine 177 with serine.
Molecular consequence: missense variant.
Genome position (GRCh38, 1-based): chr16:89,808,360, A>G on the plus strand (T>C on the coding strand, the complement: FANCA is on the minus strand). VCF-style: chr16-89808360-A-G. GRCh37 (hg19) VCF-style: chr16-89874768-A-G.
Other names: c.530T>C, p.Leu177Ser (NM_001018112.3, NM_001286167.3); c.434T>C, p.Leu145Ser (NM_001351830.2); short protein forms L145S, L177S.
Identifiers: ClinVar variation 3664945 (VCV003664945.2).

ClinVar aggregate classification (germline): Uncertain significance (1 of 4 stars; one submission).

Conditions:
Fanconi anemia (FA). Also called: Fanconi's anemia. Identifiers: Orphanet 84, MedGen C0015625, MeSH D005199, MONDO:0019391.

Submission:

Labcorp Genetics (formerly Invitae), Labcorp
Classification: Uncertain significance for Fanconi anemia. Last evaluated: 2024-03-19. Review status: criteria provided, single submitter. Criteria: Invitae Variant Classification Sherloc (09022015). Collection method: clinical testing. Allele origin: germline.
Comment: This sequence change replaces leucine, which is neutral and non-polar, with serine, which is neutral and polar, at codon 177 of the FANCA protein (p.Leu177Ser). This variant is not present in population databases (gnomAD no frequency). This variant has not been reported in the literature in individuals affected with FANCA-related conditions. Advanced modeling of protein sequence and biophysical properties (such as structural, functional, and spatial information, amino acid conservation, physicochemical variation, residue mobility, and thermodynamic stability) performed at Invitae indicates that this missense variant is expected to disrupt FANCA protein function with a positive predictive value of 80%. In summary, the available evidence is currently insufficient to determine the role of this variant in disease. Therefore, it has been classified as a Variant of Uncertain Significance.